The following is an entry in ClinVar:

ClinVar aggregate classification (germline): Uncertain significance (1 of 4 stars; one submission).

Allele frequency attached by ClinVar (database versions not stated): gnomAD exomes 0.00003; TOPMed 0.00004; gnomAD 0.00005; 1000 Genomes Project 30x 0.00016.
gnomAD v4.1: 51 of 1,520,676 alleles (0.0034%); highest among the groups gnomAD compares: East Asian, 0.12%; no homozygotes.

Submission:

Labcorp Genetics (formerly Invitae), Labcorp
Classification: Uncertain significance. Last evaluated: 2021-09-02. Review status: criteria provided, single submitter. Criteria: Invitae Variant Classification Sherloc (09022015). Collection method: clinical testing. Allele origin: germline.
Comment: This sequence change replaces asparagine with lysine at codon 16 of the DPYS protein (p.Asn16Lys). The asparagine residue is highly conserved and there is a moderate physicochemical difference between asparagine and lysine. The frequency data for this variant in the population databases is considered unreliable, as metrics indicate poor data quality at this position in the ExAC database. This missense change has been observed in individual(s) with dihydropyrimidinuria (PMID: 23732435). Algorithms developed to predict the effect of missense changes on protein structure and function (SIFT, PolyPhen-2, Align-GVGD) all suggest that this variant is likely to be disruptive. Experimental studies have shown that this missense change affects DPYS function (PMID: 28642038). In summary, the available evidence is currently insufficient to determine the role of this variant in disease. Therefore, it has been classified as a Variant of Uncertain Significance.

Literature cited by the submitters: PubMed 23732435; PubMed 28642038.

NM_001385.3(DPYS):c.48C>G (p.Asn16Lys)

Gene: DPYS (dihydropyrimidinase; minus strand). Cytogenetic location: 8q22.3.
Variant type: single nucleotide variant.
Coding change: c.48C>G on transcript NM_001385.3 (MANE Select); coding-DNA position 48, C replaced by G.
Protein change: p.Asn16Lys; replaces asparagine 16 with lysine.
Molecular consequence: missense variant.
Genome position (GRCh38, 1-based): chr8:104,466,873, G>C on the plus strand (C>G on the coding strand, the complement: DPYS is on the minus strand). VCF-style: chr8-104466873-G-C. GRCh37 (hg19) VCF-style: chr8-105479101-G-C.
Other names: short protein forms N16K.
Identifiers: ClinVar variation 2070887 (VCV002070887.1), dbSNP rs572241599, ClinGen allele CA4838639.